The following is an entry in ClinVar:

ClinVar aggregate classification (germline): Uncertain significance. Review status: criteria provided, multiple submitters, no conflicts (2 of 4 stars). 4 submissions from 4 submitters: Uncertain significance (4). Last evaluated 2025-10-07.

Conditions:
Hereditary cancer-predisposing syndrome. Also called: Hereditary Cancer Syndrome; Neoplastic Syndromes, Hereditary; Tumor predisposition; Hereditary neoplastic syndrome. Identifiers: Orphanet 140162, MedGen C0027672, MeSH D009386, MONDO:0015356.
Hereditary breast ovarian cancer syndrome. Also called: Hereditary breast and ovarian cancer syndrome; Breast and ovarian cancer; Hereditary breast and ovarian cancer syndrome (HBOC); Hereditary breast and ovarian cancer; BRCA1- and BRCA2-Associated Hereditary Breast and Ovarian Cancer; Hereditary breast and/or ovarian cancer syndrome. Identifiers: Orphanet 145, MedGen C0677776, MeSH D061325, MONDO:0003582. Disease mechanism: loss of function.

Submissions (4):

Labcorp Genetics (formerly Invitae), Labcorp
Classification: Uncertain significance for Hereditary breast ovarian cancer syndrome. Last evaluated: 2025-10-07. Review status: criteria provided, single submitter. Criteria: Invitae Variant Classification Sherloc (09022015). Collection method: clinical testing. Allele origin: germline.
Comment: This sequence change replaces glycine, which is neutral and non-polar, with alanine, which is neutral and non-polar, at codon 129 of the BRCA1 protein (p.Gly129Ala). This variant is not present in population databases (gnomAD no frequency). This variant has not been reported in the literature in individuals affected with BRCA1-related conditions. ClinVar contains an entry for this variant (Variation ID: 3609377). Invitae Evidence Modeling of protein sequence and biophysical properties (such as structural, functional, and spatial information, amino acid conservation, physicochemical variation, residue mobility, and thermodynamic stability) indicates that this missense variant is expected to disrupt BRCA1 protein function with a positive predictive value of 80%. In summary, the available evidence is currently insufficient to determine the role of this variant in disease. Therefore, it has been classified as a Variant of Uncertain Significance.

Quest Diagnostics Nichols Institute San Juan Capistrano
Classification: Uncertain significance. Last evaluated: 2025-09-10. Review status: criteria provided, single submitter. Criteria: Quest Diagnostics criteria. Collection method: clinical testing. Allele origin: unknown.
Comment: The BRCA1 c.386G>C (p.Gly129Ala) variant has not been reported in individuals with BRCA1-related conditions in the published literature. This variant has not been reported in large, multi-ethnic general populations (Genome Aggregation Database). Analysis of this variant using bioinformatics tools for the prediction of the effect of amino acid changes on protein structure and function yielded conflicting predictions that this variant is deleterious or benign. Based on the available information, we are unable to determine the clinical significance of this variant.

Ambry Genetics
Classification: Uncertain significance for Hereditary cancer-predisposing syndrome. Last evaluated: 2025-07-25. Review status: criteria provided, single submitter. Criteria: Ambry Variant Classification Scheme 2023. Collection method: clinical testing. Allele origin: germline.
Comment: The p.G129A variant (also known as c.386G>C), located in coding exon 5 of the BRCA1 gene, results from a G to C substitution at nucleotide position 386. The glycine at codon 129 is replaced by alanine, an amino acid with similar properties. This amino acid position is highly conserved in available vertebrate species. In addition, this alteration is predicted to be deleterious by in silico analysis. Based on the available evidence, the clinical significance of this variant remains unclear.

GeneDx
Classification: Uncertain significance. Last evaluated: 2025-04-15. Review status: criteria provided, single submitter. Criteria: GeneDx Variant Classification Process June 2021. Collection method: clinical testing. Allele origin: germline. Affected: yes.
Comment: Not observed at significant frequency in large population cohorts (gnomAD); In silico analysis supports that this missense variant has a deleterious effect on protein structure/function; Has not been previously published as pathogenic or benign to our knowledge; Also known as 505G>C; This variant is associated with the following publications: (PMID: 20215511)

NM_007294.4(BRCA1):c.386G>C (p.Gly129Ala)

Gene: BRCA1 (BRCA1 DNA repair associated; minus strand). Cytogenetic location: 17q21.31.
Variant type: single nucleotide variant.
Coding change: c.386G>C on transcript NM_007294.4 (MANE Select); coding-DNA position 386, G replaced by C.
Protein change: p.Gly129Ala; replaces glycine 129 with alanine.
Molecular consequence: missense variant. On other transcripts: intron variant (2).
Genome position (GRCh38, 1-based): chr17:43,104,177, C>G on the plus strand (G>C on the coding strand, the complement: BRCA1 is on the minus strand). VCF-style: chr17-43104177-C-G. GRCh37 (hg19) VCF-style: chr17-41256194-C-G.
Other names: c.245G>C, p.Gly82Ala (NM_001407744.1, NM_001407745.1, NM_001407746.1 and 99 more transcripts); c.176G>C, p.Gly59Ala (NM_001407853.1, NM_001407879.1, NM_001407885.1 and 58 more transcripts); c.386G>C, p.Gly129Ala (NM_001407854.1, NM_001407858.1, NM_001407859.1 and 164 more transcripts); c.308G>C, p.Gly103Ala (NM_001407862.1, NM_001407874.1, NM_001407875.1 and 21 more transcripts); c.377G>C, p.Gly126Ala (NM_001407646.1, NM_001407647.1, NM_001408408.1); c.5G>C, p.Gly2Ala (NM_001407959.1, NM_001407960.1, NM_001407962.1 and 4 more transcripts); c.254G>C, p.Gly85Ala (NM_001408451.1); c.-218-9317G>C (NM_001407967.1, NM_001407966.1); short protein forms G103A, G126A, G129A, G2A, G59A, G82A, G85A.
Identifiers: ClinVar variation 3609377 (VCV003609377.5).
Genomic context (GRCh38, chr17:43,104,177, plus strand): 5'-TTTACCAAGGAAGGATTTTCGGGTTCACTCTGTAGAAGTCTTTTGGCACGGTTTCTGTAG[C>G]CCATACTTTGGATGATAGAAACTTCATCTTTTAGATGTTCAGGAGAGTTATTTTCCTTTT-3'
Protein context (NP_009225.1, residues 119-139): KDEVSIIQSM[Gly129Ala]YRNRAKRLLQ